The following is an entry in ClinVar:

NM_000448.3(RAG1):c.1467G>C (p.Arg489Ser)

Gene: RAG1 (recombination activating 1; plus strand). Cytogenetic location: 11p12.
Variant type: single nucleotide variant.
Coding change: c.1467G>C on transcript NM_000448.3 (MANE Select); coding-DNA position 1467, G replaced by C.
Protein change: p.Arg489Ser; replaces arginine 489 with serine.
Molecular consequence: missense variant.
Genome position (GRCh38, 1-based): chr11:36,574,771, G>C. VCF-style: chr11-36574771-G-C. GRCh37 (hg19) VCF-style: chr11-36596321-G-C.
Other names: c.1467G>C, p.Arg489Ser (NM_001377277.1, NM_001377278.1, NM_001377279.1 and 1 more transcripts); short protein forms R489S.
Identifiers: ClinVar variation 623769 (VCV000623769.56), dbSNP rs1270133689, ClinGen allele CA380152593.

ClinVar aggregate classification (germline): Uncertain significance. Review status: criteria provided, multiple submitters, no conflicts (2 of 4 stars). 3 submissions from 3 submitters: Uncertain significance (3). Last evaluated 2021-06-11.

Conditions:
Severe combined immunodeficiency, autosomal recessive, T cell-negative, B cell-negative, NK cell-positive. Also called: SCID, T CELL-NEGATIVE, B CELL-NEGATIVE, NK CELL-POSITIVE; Severe combined immunodeficiency due to complete RAG1/2 deficiency; SCID, AR, T-cell negative, B-cell negative, NK cell-positive. Identifiers: Orphanet 331206, MedGen C1832322, MONDO:0011086, OMIM 601457.
Combined immunodeficiency with skin granulomas. Identifiers: Orphanet 157949, MedGen C2673536, MONDO:0009306, OMIM 233650.

Allele frequency attached by ClinVar (database versions not stated): gnomAD exomes below 0.00001; gnomAD 0.00001.
gnomAD v4.1: 2 of 1,614,228 alleles (0.00012%); highest among the groups gnomAD compares: Non-Finnish European, 0.00017%; no homozygotes.

Submissions (3):

ARUP Laboratories, Molecular Genetics and Genomics, ARUP Laboratories
Classification: Uncertain significance. Last evaluated: 2021-06-11. Review status: criteria provided, single submitter. Criteria: ARUP Molecular Germline Variant Investigation Process 2021. Collection method: clinical testing. Allele origin: germline.
Comment: The RAG1 c.1467G>C; p.Arg489Ser variant (rs1270133689), to our knowledge, is not reported in the medical literature but is reported in ClinVar (Variation ID: 623769). This variant is absent from the Genome Aggregation Database, indicating it is not a common polymorphism. The arginine at codon 489is highly conserved, but computational analyses are uncertain whether this variant is neutral or deleterious (REVEL: 0.645). Due to limited information, the clinical significance of the p.Arg489Ser variant is uncertain at this time.

Labcorp Genetics (formerly Invitae), Labcorp
Classification: Uncertain significance for Combined immunodeficiency with skin granulomas; Severe combined immunodeficiency, autosomal recessive, T cell-negative, B cell-negative, NK cell-positive. Last evaluated: 2019-01-16. Review status: criteria provided, single submitter. Criteria: Invitae Variant Classification Sherloc (09022015). Collection method: clinical testing. Allele origin: germline.
Comment: In summary, the available evidence is currently insufficient to determine the role of this variant in disease. Therefore, it has been classified as a Variant of Uncertain Significance. Algorithms developed to predict the effect of missense changes on protein structure and function are either unavailable or do not agree on the potential impact of this missense change (SIFT: "Deleterious"; PolyPhen-2: "Probably Damaging"; Align-GVGD: "Class C0"). This variant has not been reported in the literature in individuals with RAG1-related conditions. This variant is not present in population databases (ExAC no frequency). This sequence change replaces arginine with serine at codon 489 of the RAG1 protein (p.Arg489Ser). The arginine residue is highly conserved and there is a moderate physicochemical difference between arginine and serine.

CeGaT Center for Human Genetics Tuebingen
Classification: Uncertain significance. Last evaluated: 2018-08-01. Review status: criteria provided, single submitter. Criteria: CeGaT Center For Human Genetics Tuebingen Variant Classification Criteria Version 2. Collection method: clinical testing. Allele origin: germline. Affected: yes. Observed: 1 variant allele.